The following is an entry in ClinVar:

ClinVar aggregate classification (germline): Uncertain significance (1 of 4 stars; one submission).

Submission:

GeneDx
Classification: Uncertain significance. Last evaluated: 2019-08-30. Review status: criteria provided, single submitter. Criteria: GeneDx Variant Classification Process June 2021. Collection method: clinical testing. Allele origin: germline. Affected: yes.
Comment: Not observed in large population cohorts (Lek et al., 2016); In silico analysis, which includes splice predictors and evolutionary conservation, supports a deleterious effect; Has not been previously published as pathogenic or benign to our knowledge

NM_004606.5(TAF1):c.54A>T (p.Leu18Phe)

Genes: TAF1 (TATA-box binding protein associated factor 1; plus strand), LOC130068417 (ATAC-STARR-seq lymphoblastoid active region 29743; plus strand). Cytogenetic location: Xq13.1.
Variant type: single nucleotide variant.
Coding change: c.54A>T on transcript NM_004606.5 (MANE Select); coding-DNA position 54, A replaced by T.
Protein change: p.Leu18Phe; replaces leucine 18 with phenylalanine.
Molecular consequence: missense variant. On other transcripts: non-coding transcript variant (9).
Genome position (GRCh38, 1-based): chrX:71,366,428, A>T. VCF-style: chrX-71366428-A-T. GRCh37 (hg19) VCF-style: chrX-70586278-A-T.
Other names: c.54A>T, p.Leu18Phe (NM_001286074.2, NM_138923.4); short protein forms L18F.
Identifiers: ClinVar variation 1300486 (VCV001300486.2), dbSNP rs2148107568, ClinGen allele CA413502766.
Genomic context (GRCh38, chrX:71,366,428, plus strand): 5'-CGCCATCATGTCAGACACGGACAGCGACGAAGATTCCGCTGGAGGCGGCCCATTTTCTTT[A>T]GCGGGTTTCCTTTTCGGCAACATCAATGGAGCCGGGCAGCTGGAGGGGGAAAGCGTCTTG-3'
Protein context (NP_004597.3, residues 8-28): EDSAGGGPFS[Leu18Phe]AGFLFGNING